The following is an entry in ClinVar:

NM_006302.3(MOGS):c.676C>A (p.Gln226Lys)

Gene: MOGS (mannosyl-oligosaccharide glucosidase; minus strand). Cytogenetic location: 2p13.1.
Variant type: single nucleotide variant.
Coding change: c.676C>A on transcript NM_006302.3 (MANE Select); coding-DNA position 676, C replaced by A.
Protein change: p.Gln226Lys; replaces glutamine 226 with lysine.
Molecular consequence: missense variant.
Genome position (GRCh38, 1-based): chr2:74,463,290, G>T on the plus strand (C>A on the coding strand, the complement: MOGS is on the minus strand). VCF-style: chr2-74463290-G-T. GRCh37 (hg19) VCF-style: chr2-74690417-G-T.
Other names: c.358C>A, p.Gln120Lys (NM_001146158.2); short protein forms Q120K, Q226K.
Identifiers: ClinVar variation 2013447 (VCV002013447.4), dbSNP rs2529499216, ClinGen allele CA347379877.

ClinVar aggregate classification (germline): Uncertain significance (1 of 4 stars; one submission).

Conditions:
MOGS-congenital disorder of glycosylation. Also called: CDG IIb; CDG 2B; MOGS-CDG; GLUCOSIDASE I DEFICIENCY. Identifiers: Orphanet 79330, MedGen C1853736, MONDO:0011629, OMIM 606056.

Allele frequency attached by ClinVar (database versions not stated): gnomAD exomes below 0.00001.
gnomAD v4.1: 1 of 1,614,194 alleles (0.000062%); highest among the groups gnomAD compares: Non-Finnish European, 0.000085%; no homozygotes.

Submission:

Labcorp Genetics (formerly Invitae), Labcorp
Classification: Uncertain significance for MOGS-congenital disorder of glycosylation. Last evaluated: 2022-07-21. Review status: criteria provided, single submitter. Criteria: Invitae Variant Classification Sherloc (09022015). Collection method: clinical testing. Allele origin: germline.
Comment: This sequence change replaces glutamine, which is neutral and polar, with lysine, which is basic and polar, at codon 226 of the MOGS protein (p.Gln226Lys). This variant is not present in population databases (gnomAD no frequency). This variant has not been reported in the literature in individuals affected with MOGS-related conditions. Algorithms developed to predict the effect of missense changes on protein structure and function (SIFT, PolyPhen-2, Align-GVGD) all suggest that this variant is likely to be tolerated. In summary, the available evidence is currently insufficient to determine the role of this variant in disease. Therefore, it has been classified as a Variant of Uncertain Significance.